The following is an entry in ClinVar:

NM_080916.3(DGUOK):c.444-7C>A

Gene: DGUOK (deoxyguanosine kinase; plus strand). Cytogenetic location: 2p13.1.
Variant type: single nucleotide variant.
Coding change: c.444-7C>A on transcript NM_080916.3 (MANE Select); 7 bases into the intron before coding-DNA position 444, C replaced by A.
Molecular consequence: intron variant.
Genome position (GRCh38, 1-based): chr2:73,950,578, C>A. VCF-style: chr2-73950578-C-A. GRCh37 (hg19) VCF-style: chr2-74177705-C-A.
Other names: c.444-7C>A (NM_080916.2); c.153-7C>A (NM_001318861.2, NM_001318860.2); c.135-7C>A (NM_001318862.2, NM_001318863.2); c.443+3672C>A (NM_080918.3); c.425+3690C>A (NM_001318859.2).
Identifiers: ClinVar variation 3003773 (VCV003003773.4), dbSNP rs1682635171, ClinGen allele CA1032235615.
Genomic context (GRCh38, chr2:73,950,578, plus strand): 5'-TCTCTCGTGCCTTTCATTCCATTTCCCATTCTCCTGCCCTCCCCATTCCCATCCCACTTC[C>A]AACCAGGTATATCTTTGCAAAGAATCTTTTTGAAAATGGTTCCCTCAGTGACATCGAGTG-3'

ClinVar aggregate classification (germline): Likely benign. Review status: criteria provided, multiple submitters, no conflicts (2 of 4 stars). 2 submissions from 2 submitters: Likely benign (2). Last evaluated 2025-11-20.

Conditions:
DGUOK-related disorder. Also called: DGUOK-related condition.

Allele frequency attached by ClinVar (database versions not stated): TOPMed below 0.00001; gnomAD 0.00001.
gnomAD v4.1: 14 of 1,614,030 alleles (0.00087%); highest among the groups gnomAD compares: Middle Eastern, 0.016%; no homozygotes.

Submissions (2):

PreventionGenetics, part of Exact Sciences
Classification: Likely benign for DGUOK-related condition. Last evaluated: 2025-11-20. Review status: criteria provided, single submitter. Criteria: ACMG Guidelines, 2015. Collection method: clinical testing. Allele origin: germline.
Comment: This variant is classified as likely benign based on ACMG/AMP sequence variant interpretation guidelines (Richards et al. 2015 PMID: 25741868, with internal and published modifications).

Labcorp Genetics (formerly Invitae), Labcorp
Classification: Likely benign. Last evaluated: 2023-07-31. Review status: criteria provided, single submitter. Criteria: Invitae Variant Classification Sherloc (09022015). Collection method: clinical testing. Allele origin: germline.